The following is an entry in ClinVar:

NM_014000.3(VCL):c.3371T>C (p.Leu1124Pro)

Gene: VCL (vinculin; plus strand). Cytogenetic location: 10q22.2.
Variant type: single nucleotide variant.
Coding change: c.3371T>C on transcript NM_014000.3 (MANE Select); coding-DNA position 3371, T replaced by C.
Protein change: p.Leu1124Pro; replaces leucine 1124 with proline.
Molecular consequence: missense variant.
Genome position (GRCh38, 1-based): chr10:74,118,135, T>C. VCF-style: chr10-74118135-T-C. GRCh37 (hg19) VCF-style: chr10-75877893-T-C.
Other names: c.3167T>C, p.Leu1056Pro (NM_003373.4); short protein forms L1056P, L1124P.
Identifiers: ClinVar variation 3331937 (VCV003331937.1).
Genomic context (GRCh38, chr10:74,118,135, plus strand): 5'-AGACTGTGCGGGAAGCTGAAGCTGCTTCAATCAAAATTCGAACAGATGCTGGATTTACAC[T>C]GCGCTGGGTTAGAAAGACTCCCTGGTACCAGTAGGCACCTGGCTGAGCCTGGCTGGCACA-3'
Protein context (NP_054706.1, residues 1114-1134): IKIRTDAGFT[Leu1124Pro]RWVRKTPWYQ

ClinVar aggregate classification (germline): Uncertain significance (1 of 4 stars; one submission).

Conditions:
Cardiovascular phenotype. Identifiers: MedGen CN230736.

Submission:

Ambry Genetics
Classification: Uncertain significance for Cardiovascular phenotype. Last evaluated: 2024-03-30. Review status: criteria provided, single submitter. Criteria: Ambry Variant Classification Scheme 2023. Collection method: clinical testing. Allele origin: germline.
Comment: The p.L1124P variant (also known as c.3371T>C), located in coding exon 22 of the VCL gene, results from a T to C substitution at nucleotide position 3371. The leucine at codon 1124 is replaced by proline, an amino acid with similar properties. This amino acid position is conserved. In addition, this alteration is predicted to be deleterious by in silico analysis. Based on the available evidence, the clinical significance of this alteration remains unclear.